The following is an entry in ClinVar:

ClinVar aggregate classification (germline): Likely benign (0 of 4 stars; one submission).

Conditions:
UTP4-related disorder. Also called: UTP4-related condition.

Allele frequency attached by ClinVar (database versions not stated): ExAC 0.00001; gnomAD exomes 0.00002; TOPMed 0.00003.
gnomAD v4.1: 33 of 1,605,928 alleles (0.0021%); highest among the groups gnomAD compares: Non-Finnish European, 0.0028%; no homozygotes.

Submission:

PreventionGenetics, part of Exact Sciences
Classification: Likely benign for UTP4-related condition. Last evaluated: 2021-09-01. Review status: no assertion criteria provided. Collection method: clinical testing. Allele origin: germline.
Comment: This variant is classified as likely benign based on ACMG/AMP sequence variant interpretation guidelines (Richards et al. 2015 PMID: 25741868, with internal and published modifications).

NM_032830.3(UTP4):c.1164+6G>A

Gene: UTP4 (UTP4 small subunit processome component). Cytogenetic location: 16q22.1.
Variant type: single nucleotide variant.
Coding change: c.1164+6G>A on transcript NM_032830.3 (MANE Select); 6 bases into the intron after coding-DNA position 1164, G replaced by A.
Molecular consequence: intron variant.
Genome position (GRCh38, 1-based): chr16:69,154,463, G>A. VCF-style: chr16-69154463-G-A. GRCh37 (hg19) VCF-style: chr16-69188366-G-A.
Other names: c.915+6G>A (NM_001318391.2).
Identifiers: ClinVar variation 3054716 (VCV003054716.2), dbSNP rs187936276, ClinGen allele CA8132314.